The following is an entry in ClinVar:

NM_003579.4(RAD54L):c.335C>G (p.Pro112Arg)

Gene: RAD54L (RAD54 like; plus strand). Cytogenetic location: 1p34.1.
Variant type: single nucleotide variant.
Coding change: c.335C>G on transcript NM_003579.4 (MANE Select); coding-DNA position 335, C replaced by G.
Protein change: p.Pro112Arg; replaces proline 112 with arginine.
Molecular consequence: missense variant. On other transcripts: 5 prime UTR variant (1).
Genome position (GRCh38, 1-based): chr1:46,260,027, C>G. VCF-style: chr1-46260027-C-G. GRCh37 (hg19) VCF-style: chr1-46725699-C-G.
Other names: c.335C>G, p.Pro112Arg (NM_001142548.2); c.-206C>G (NM_001370766.1); short protein forms P112R.
Identifiers: ClinVar variation 3312492 (VCV003312492.1).
Genomic context (GRCh38, chr1:46,260,027, plus strand): 5'-CTCTGGGCTCTCGAGCATTGGGCCTGAAAAGGGCTGGGGTCCGCCGGGCCCTCCATGACC[C>G]CCTGGAAAAAGATGCCTTGGTTCTGTATGAGCCTCCCCCGCTGAGCGCTCATGACCAGCT-3'
Protein context (NP_003570.2, residues 102-122): RAGVRRALHD[Pro112Arg]LEKDALVLYE

ClinVar aggregate classification (germline): Uncertain significance (1 of 4 stars; one submission).

Submission:

Ambry Genetics
Classification: Uncertain significance. Last evaluated: 2024-06-07. Review status: criteria provided, single submitter. Criteria: Ambry Variant Classification Scheme 2023. Collection method: clinical testing. Allele origin: germline.
Comment: The p.P112R variant (also known as c.335C>G), located in coding exon 5 of the RAD54L gene, results from a C to G substitution at nucleotide position 335. The proline at codon 112 is replaced by arginine, an amino acid with dissimilar properties. This amino acid position is conserved. In addition, this alteration is predicted to be deleterious by in silico analysis. Based on the available evidence, the clinical significance of this variant remains unclear.